The following is an entry in ClinVar:

NM_000238.4(KCNH2):c.850T>C (p.Ser284Pro)

Gene: KCNH2 (potassium voltage-gated channel subfamily H member 2; minus strand). Cytogenetic location: 7q36.1.
Variant type: single nucleotide variant.
Coding change: c.850T>C on transcript NM_000238.4 (MANE Select); coding-DNA position 850, T replaced by C.
Protein change: p.Ser284Pro; replaces serine 284 with proline.
Molecular consequence: missense variant. On other transcripts: non-coding transcript variant (1).
Genome position (GRCh38, 1-based): chr7:150,958,125, A>G on the plus strand (T>C on the coding strand, the complement: KCNH2 is on the minus strand). VCF-style: chr7-150958125-A-G. GRCh37 (hg19) VCF-style: chr7-150655213-A-G.
Other names: c.562T>C, p.Ser188Pro (NM_001406753.1, NM_001406756.1); c.673T>C, p.Ser225Pro (NM_001406755.1); c.550T>C, p.Ser184Pro (NM_001406757.1); c.850T>C, p.Ser284Pro (NM_172056.3); short protein forms S184P, S225P, S188P, S284P.
Identifiers: ClinVar variation 3713125 (VCV003713125.2).

ClinVar aggregate classification (germline): Uncertain significance (1 of 4 stars; one submission).

Conditions:
Long QT syndrome (LQTS). Identifiers: MedGen C0023976, MeSH D008133, MONDO:0002442. Disease mechanism: loss of function. Inheritance: Various modes of inheritance.

Submission:

Labcorp Genetics (formerly Invitae), Labcorp
Classification: Uncertain significance for Long QT syndrome. Last evaluated: 2024-02-29. Review status: criteria provided, single submitter. Criteria: Invitae Variant Classification Sherloc (09022015). Collection method: clinical testing. Allele origin: germline.
Comment: This sequence change replaces serine, which is neutral and polar, with proline, which is neutral and non-polar, at codon 284 of the KCNH2 protein (p.Ser284Pro). This variant is not present in population databases (gnomAD no frequency). This variant has not been reported in the literature in individuals affected with KCNH2-related conditions. An algorithm developed to predict the effect of missense changes on protein structure and function (PolyPhen-2) suggests that this variant is likely to be disruptive. In summary, the available evidence is currently insufficient to determine the role of this variant in disease. Therefore, it has been classified as a Variant of Uncertain Significance.